The following is an entry in ClinVar:

ClinVar aggregate classification (germline): Uncertain significance (1 of 4 stars; one submission).

Conditions:
NUS1-related disorder. Also called: NUS1-related condition; NUS1-Related Disorders. Identifiers: MedGen CN382504, MONDO:1060287.

Allele frequency attached by ClinVar (database versions not stated): gnomAD 0.00001.
gnomAD v4.1: 3 of 1,534,480 alleles (0.0002%); highest among the groups gnomAD compares: Non-Finnish European, 0.00026%; no homozygotes.

Submission:

PreventionGenetics, part of Exact Sciences
Classification: Uncertain significance for NUS1-related condition. Last evaluated: 2023-07-02. Review status: criteria provided, single submitter. Criteria: ACMG Guidelines, 2015. Collection method: clinical testing. Allele origin: germline.
Comment: The NUS1 c.213C>G variant is predicted to result in the amino acid substitution p.His71Gln. To our knowledge, this variant has not been reported in the literature or in a large population database, indicating this variant is rare. At this time, the clinical significance of this variant is uncertain due to the absence of conclusive functional and genetic evidence.

NM_138459.5(NUS1):c.213C>G (p.His71Gln)

Gene: NUS1 (NUS1 dehydrodolichyl diphosphate synthase subunit; plus strand). Cytogenetic location: 6q22.1.
Variant type: single nucleotide variant.
Coding change: c.213C>G on transcript NM_138459.5 (MANE Select); coding-DNA position 213, C replaced by G.
Protein change: p.His71Gln; replaces histidine 71 with glutamine.
Molecular consequence: missense variant.
Genome position (GRCh38, 1-based): chr6:117,675,883, C>G. VCF-style: chr6-117675883-C-G. GRCh37 (hg19) VCF-style: chr6-117997046-C-G.
Other names: short protein forms H71Q.
Identifiers: ClinVar variation 2632302 (VCV002632302.1), dbSNP rs1772969284, ClinGen allele CA365536134.